The following is an entry in ClinVar:

ClinVar aggregate classification (germline): Uncertain significance. Review status: criteria provided, multiple submitters, no conflicts (2 of 4 stars). 2 submissions from 2 submitters: Uncertain significance (2). Last evaluated 2024-09-04.

Conditions:
Ataxia-telangiectasia syndrome (AT). Also called: LOUIS-BAR SYNDROME; Cerebello-oculocutaneous telangiectasia; Immunodeficiency with ataxia telangiectasia; Ataxia telangiectasia (A-T); Ataxia-telangiectasia, complementation group D; AT, COMPLEMENTATION GROUP C. Identifiers: Orphanet 100, MedGen C0004135, MONDO:0008840, OMIM 208900.
ATM-related cancer predisposition. Also called: ATM-related cancer susceptibility. Identifiers: MedGen CN377759, MONDO:0700270.

Allele frequency attached by ClinVar (database versions not stated): ExAC 0.00001; gnomAD exomes below 0.00001.
gnomAD v4.1: 1 of 1,614,126 alleles (0.000062%); highest among the groups gnomAD compares: South Asian, 0.0011%; no homozygotes.

Submissions (2):

Department of Pathology and Laboratory Medicine, Sinai Health System
Classification: Uncertain significance for ATM-related cancer predisposition. Last evaluated: 2024-09-04. Review status: criteria provided, single submitter. Criteria: ACMG Guidelines, 2015. Collection method: clinical testing. Allele origin: germline.

Labcorp Genetics (formerly Invitae), Labcorp
Classification: Uncertain significance for Ataxia-telangiectasia syndrome. Last evaluated: 2021-09-01. Review status: criteria provided, single submitter. Criteria: Invitae Variant Classification Sherloc (09022015). Collection method: clinical testing. Allele origin: germline.
Comment: This sequence change replaces glutamine with histidine at codon 2414 of the ATM protein (p.Gln2414His). The glutamine residue is moderately conserved and there is a small physicochemical difference between glutamine and histidine. This variant is present in population databases (rs761907546, ExAC 0.006%). This variant has not been reported in the literature in individuals affected with ATM-related conditions. Advanced modeling of protein sequence and biophysical properties (such as structural, functional, and spatial information, amino acid conservation, physicochemical variation, residue mobility, and thermodynamic stability) performed at Invitae indicates that this missense variant is not expected to disrupt ATM protein function. In summary, the available evidence is currently insufficient to determine the role of this variant in disease. Therefore, it has been classified as a Variant of Uncertain Significance.

NM_000051.4(ATM):c.7242A>T (p.Gln2414His)

Genes: ATM (ATM serine/threonine kinase; plus strand), C11orf65 (chromosome 11 open reading frame 65; minus strand). Cytogenetic location: 11q22.3.
Variant type: single nucleotide variant.
Coding change: c.7242A>T on transcript NM_000051.4 (MANE Select); coding-DNA position 7242, A replaced by T.
Protein change: p.Gln2414His; replaces glutamine 2414 with histidine.
Molecular consequence: missense variant. On other transcripts: intron variant (2).
Genome position (GRCh38, 1-based): chr11:108,329,173, A>T. VCF-style: chr11-108329173-A-T. GRCh37 (hg19) VCF-style: chr11-108199900-A-T.
Other names: c.7242A>T, p.Gln2414His (NM_001351834.2); c.641-20102T>A (NM_001330368.2); c.*38+6047T>A (NM_001351110.2); short protein forms Q2414H.
Identifiers: ClinVar variation 1484990 (VCV001484990.7), dbSNP rs761907546, ClinGen allele CA6266084.